The following is an entry in ClinVar:

NM_138409.4(MRAP2):c.436G>A (p.Glu146Lys)

Gene: MRAP2 (melanocortin 2 receptor accessory protein 2; plus strand). Cytogenetic location: 6q14.2.
Variant type: single nucleotide variant.
Coding change: c.436G>A on transcript NM_138409.4 (MANE Select); coding-DNA position 436, G replaced by A.
Protein change: p.Glu146Lys; replaces glutamic acid 146 with lysine.
Molecular consequence: missense variant.
Genome position (GRCh38, 1-based): chr6:84,089,299, G>A. VCF-style: chr6-84089299-G-A. GRCh37 (hg19) VCF-style: chr6-84799018-G-A.
Other names: c.178G>A, p.Glu60Lys (NM_001346541.2); c.436G>A, p.Glu146Lys (NM_001346542.2, NM_001346544.2); c.271G>A, p.Glu91Lys (NM_001346543.2); short protein forms E146K, E60K, E91K.
Identifiers: ClinVar variation 3358346 (VCV003358346.1).

ClinVar aggregate classification (germline): Uncertain significance (0 of 4 stars; one submission).

Conditions:
MRAP2-related disorder. Also called: MRAP2-related condition.

Submission:

PreventionGenetics, part of Exact Sciences
Classification: Uncertain significance for MRAP2-related condition. Last evaluated: 2023-12-30. Review status: no assertion criteria provided. Collection method: clinical testing. Allele origin: germline.
Comment: The MRAP2 c.436G>A variant is predicted to result in the amino acid substitution p.Glu146Lys. To our knowledge, this variant has not been reported in the literature or in a large population database, indicating this variant is rare. At this time, the clinical significance of this variant is uncertain due to the absence of conclusive functional and genetic evidence.